The following is an entry in ClinVar:

ClinVar aggregate classification (germline): Pathogenic (1 of 4 stars; one submission).

Conditions:
Interstitial lung disease due to ABCA3 deficiency. Also called: PULMONARY ALVEOLAR PROTEINOSIS, CONGENITAL, 3. Identifiers: Orphanet 440402, MedGen C1970456, MONDO:0012582, OMIM 610921.

Submission:

Myriad Genetics, Inc.
Classification: Pathogenic for Interstitial lung disease due to ABCA3 deficiency. Last evaluated: 2025-10-07. Review status: criteria provided, single submitter. Criteria: Myriad Autosomal Dominant, Autosomal Recessive and X-Linked Classification Criteria (2023). Collection method: clinical testing. Allele origin: unknown.
Comment: NM_001089.2(ABCA3):c.4310_4322del13(S1437Lfs*31) is expected to be pathogenic in the context of surfactant deficiency, ABCA3-related. This variant is predicted to lead to an abnormal or absent protein product due to the creation of a premature termination codon in ABCA3, a gene where loss-of-function variants are known to be pathogenic. Please note: this variant was assessed in the context of healthy population screening.

NM_001089.3(ABCA3):c.4310_4322del (p.Ser1437fs)

Gene: ABCA3 (ATP binding cassette subfamily A member 3; minus strand). Cytogenetic location: 16p13.3.
Variant type: Deletion.
Coding change: c.4310_4322del on transcript NM_001089.3 (MANE Select); coding-DNA positions 4310 to 4322, 13 bases deleted (CTGGGGATGCCTT).
Protein change: p.Ser1437fs; shifts the reading frame from serine 1437.
Molecular consequence: frameshift variant.
Genome position (GRCh38, 1-based): chr16:2,281,064-2,281,076, AAGGCATCCCCAG deleted on the plus strand (CTGGGGATGCCTT on the coding strand, the reverse complement: ABCA3 is on the minus strand); deleting any 13 consecutive bases within chr16:2,281,064-2,281,079 gives the same sequence; the c. name uses the placement nearest the transcript's 3' end. VCF-style (leftmost placement, unchanged base first): chr16-2281063-AAAGGCATCCCCAG-A. GRCh37 (hg19) VCF-style: chr16-2331064-AAAGGCATCCCCAG-A.
Other names: short protein forms S1437fs.
Identifiers: ClinVar variation 5015057 (VCV005015057.1).